The following is an entry in ClinVar:

NM_001267550.2(TTN):c.28425G>T (p.Val9475=)

Gene: TTN (titin; minus strand). Cytogenetic location: 2q31.2.
Variant type: single nucleotide variant.
Coding change: c.28425G>T on transcript NM_001267550.2 (MANE Select); coding-DNA position 28425, G replaced by T.
Protein change: p.Val9475=; no amino-acid change (valine 9475 retained).
Molecular consequence: synonymous variant. On other transcripts: intron variant (3).
Genome position (GRCh38, 1-based): chr2:178,710,672, C>A on the plus strand (G>T on the coding strand, the complement: TTN is on the minus strand). VCF-style: chr2-178710672-C-A. GRCh37 (hg19) VCF-style: chr2-179575399-C-A.
Other names: c.24693G>T, p.Val8231= (NM_133378.4); c.27474G>T, p.Val9158= (NM_001256850.1); c.13282+27410G>T (NM_003319.4); c.13858+27410G>T (NM_133437.4); c.13657+27410G>T (NM_133432.3).
Identifiers: ClinVar variation 166135 (VCV000166135.14), dbSNP rs727503642, ClinGen allele CA178937.
Genomic context (GRCh38, chr2:178,710,672, plus strand): 5'-ACCACTTGCAAAATAAACGATACCTTTTATATTCAGCTGAGCTGTGCAAGAGTCTTTTCC[C>A]ACTTCATTCACAGCATAGCAGGTATATTGTCCAGAATCTCCTTTGTCTACTTTGAGGACT-3'
Protein context (NP_001254479.2, residues 9465-9485): GQYTCYAVNE[Val9475=]GKDSCTAQLN

ClinVar aggregate classification (germline): Likely benign. Review status: criteria provided, multiple submitters, no conflicts (2 of 4 stars). 3 submissions from 3 submitters: Likely benign (3). Last evaluated 2024-04-04.

Conditions:
Autosomal recessive limb-girdle muscular dystrophy type 2J (LGMDR10). Also called: Limb-girdle muscular dystrophy, type 2J; MUSCULAR DYSTROPHY, LIMB-GIRDLE, AUTOSOMAL RECESSIVE 10. Identifiers: Orphanet 140922, MedGen C1837342, MONDO:0012127, OMIM 608807.
Dilated cardiomyopathy 1G (CMD1G). Identifiers: Orphanet 154, MedGen C1858763, MONDO:0011400, OMIM 604145.

Allele frequency attached by ClinVar (database versions not stated): gnomAD 0.00001; gnomAD exomes 0.00001.
gnomAD v4.1: 4 of 1,612,812 alleles (0.00025%); highest among the groups gnomAD compares: Non-Finnish European, 0.00034%; no homozygotes.

Submissions (3):

Blueprint Genetics
Classification: Likely benign. Last evaluated: 2024-04-04. Review status: criteria provided, single submitter. Criteria: ACMG Guidelines, 2015. Collection method: clinical testing. Allele origin: germline.

Labcorp Genetics (formerly Invitae), Labcorp
Classification: Likely benign for Dilated cardiomyopathy 1G; Autosomal recessive limb-girdle muscular dystrophy type 2J. Last evaluated: 2022-08-03. Review status: criteria provided, single submitter. Criteria: Invitae Variant Classification Sherloc (09022015). Collection method: clinical testing. Allele origin: germline.

Laboratory for Molecular Medicine, Mass General Brigham Personalized Medicine
Classification: Likely benign. Last evaluated: 2014-05-28. Review status: criteria provided, single submitter. Criteria: LMM Criteria. Collection method: clinical testing. Allele origin: germline. Observed: 2 variant alleles.
Comment: p.Val8231Val in exon 95 of TTN: This variant is not expected to have clinical si gnificance because it does not alter an amino acid residue and is not located wi thin the splice consensus sequence.